The following is an entry in ClinVar:

NM_001267550.2(TTN):c.18557C>T (p.Thr6186Met)

Genes: TTN (titin; minus strand), LOC126806430 (BRD4-independent group 4 enhancer GRCh37_chr2:179593794-179594993; plus strand). Cytogenetic location: 2q31.2.
Variant type: single nucleotide variant.
Coding change: c.18557C>T on transcript NM_001267550.2 (MANE Select); coding-DNA position 18557, C replaced by T.
Protein change: p.Thr6186Met; replaces threonine 6186 with methionine.
Molecular consequence: missense variant. On other transcripts: intron variant (3).
Genome position (GRCh38, 1-based): chr2:178,729,696, G>A on the plus strand (C>T on the coding strand, the complement: TTN is on the minus strand). VCF-style: chr2-178729696-G-A. GRCh37 (hg19) VCF-style: chr2-179594423-G-A.
Other names: c.17606C>T, p.Thr5869Met (NM_001256850.1); c.14825C>T, p.Thr4942Met (NM_133378.4); c.13282+8386C>T (NM_003319.4); c.13858+8386C>T (NM_133437.4); c.13657+8386C>T (NM_133432.3); short protein forms T6186M, T4942M, T5869M.
Identifiers: ClinVar variation 282706 (VCV000282706.12), dbSNP rs200359082, ClinGen allele CA2001602.

ClinVar aggregate classification (germline): Conflicting classifications of pathogenicity. Review status: criteria provided, conflicting classifications (1 of 4 stars). 4 submissions from 4 submitters: Uncertain significance (3); Likely benign (1). Last evaluated 2025-05-06.

Conditions:
TTN-related disorder. Also called: TTN-related condition; TTN-related disease; TTN-related disorders.

Allele frequency attached by ClinVar (database versions not stated): TOPMed 0.00004; gnomAD 0.00010; ESP Exome Variant Server 0.00016.
gnomAD v4.1: 145 of 1,613,590 alleles (0.009%); highest among the groups gnomAD compares: East Asian, 0.067%; 1 homozygote.

Submissions (4):

PreventionGenetics, part of Exact Sciences
Classification: Uncertain significance for TTN-related condition. Last evaluated: 2025-05-06. Review status: criteria provided, single submitter. Criteria: ACMG Guidelines, 2015. Collection method: clinical testing. Allele origin: germline.
Comment: The TTN c.18557C>T variant is predicted to result in the amino acid substitution p.Thr6186Met. To our knowledge, this variant has not been reported in the literature. This variant is reported in 0.072% of alleles in individuals of European (Finnish) descent in gnomAD, including 1 homozygote. Although we suspect that this variant may be benign, at this time, the clinical significance of this variant is uncertain due to the absence of conclusive functional and genetic evidence.

Revvity Omics, Revvity
Classification: Uncertain significance. Last evaluated: 2023-10-19. Review status: criteria provided, single submitter. Criteria: ACMG Guidelines, 2015. Collection method: clinical testing. Allele origin: germline.

GeneDx
Classification: Likely benign. Last evaluated: 2019-05-14. Review status: criteria provided, single submitter. Criteria: GeneDx Variant Classification Process June 2021. Collection method: clinical testing. Allele origin: germline. Affected: yes.

Eurofins Ntd Llc (ga)
Classification: Uncertain significance. Last evaluated: 2015-08-25. Review status: criteria provided, single submitter. Criteria: EGL Classification Definitions 2015. Collection method: clinical testing. Allele origin: germline. Observed: 1 variant allele, 1 heterozygote.